The following is an entry in ClinVar:

NM_001018115.3(FANCD2):c.1275C>T (p.Tyr425=)

Genes: FANCD2 (FA complementation group D2; plus strand), LOC107303338 (3p25 FANCD2 Alu-mediated recombination region; plus strand). Cytogenetic location: 3p25.3.
Variant type: single nucleotide variant.
Coding change: c.1275C>T on transcript NM_001018115.3 (MANE Select); coding-DNA position 1275, C replaced by T.
Protein change: p.Tyr425=; no amino-acid change (tyrosine 425 retained).
Molecular consequence: synonymous variant.
Genome position (GRCh38, 1-based): chr3:10,046,720, C>T. VCF-style: chr3-10046720-C-T. GRCh37 (hg19) VCF-style: chr3-10088404-C-T.
Other names: c.1275C>T, p.Tyr425= (NM_001319984.2, NM_001374253.1, NM_001374254.1 and 1 more transcripts).
Identifiers: ClinVar variation 439693 (VCV000439693.15), dbSNP rs764447374, ClinGen allele CA2249567.
Genomic context (GRCh38, chr3:10,046,720, plus strand): 5'-TAAGATTCGATCAGGCTGCATTCAAGAACAGCTGCTCCAGAGTACATTCTCTGTTCATTA[C>T]TTAGTAAGTGTCAGAGACTATTGATTTTTAATCTAAAACAGAAAGCTTTACAGCTCTCAT-3'
Protein context (NP_001018125.1, residues 415-435): QLLQSTFSVH[Tyr425=]LVLKDMCSSI

ClinVar aggregate classification (germline): Benign. Review status: criteria provided, multiple submitters, no conflicts (2 of 4 stars). 6 submissions from 6 submitters: Benign (3). 3 of the submissions do not count toward it. Last evaluated 2023-10-11.

Conditions:
Fanconi anemia complementation group D2. Also called: FANCD2-Related Fanconi Anemia; FANCONI PANCYTOPENIA, TYPE 4; FANCONI ANEMIA, COMPLEMENTATION GROUP D. Identifiers: Orphanet 84, MedGen C3160738, MONDO:0009214, OMIM 227646.

Allele frequency attached by ClinVar (database versions not stated): ExAC 0.06738.

Submissions (6):

Women's Health and Genetics/Laboratory Corporation of America, LabCorp
Classification: Benign. Last evaluated: 2023-10-11. Review status: criteria provided, single submitter. Criteria: LabCorp Variant Classification Summary - May 2015. Collection method: clinical testing. Allele origin: germline.

Illumina Laboratory Services, Illumina
Classification: Benign for Fanconi anemia complementation group D2. Last evaluated: 2018-01-13. Review status: criteria provided, single submitter. Criteria: ICSL Variant Classification Criteria 13 December 2019. Collection method: clinical testing. Allele origin: germline.
Comment: This variant was observed in the ICSL laboratory as part of a predisposition screen in an ostensibly healthy population. It had not been previously curated by ICSL or reported in the Human Gene Mutation Database (HGMD: prior to June 1st, 2018), and was therefore a candidate for classification through an automated scoring system. Utilizing variant allele frequency, disease prevalence and penetrance estimates, and inheritance mode, an automated score was calculated to assess if this variant is too frequent to cause the disease. Based on the score and internal cut-off values, a variant classified as benign is not then subjected to further curation. The score for this variant resulted in a classification of benign for this disease.

ARUP Laboratories, Molecular Genetics and Genomics, ARUP Laboratories
Classification: Benign. Last evaluated: 2017-04-04. Review status: criteria provided, single submitter. Criteria: ARUP Molecular Germline Variant Investigation Process. Collection method: clinical testing. Allele origin: germline.

Clinical Genetics DNA and cytogenetics Diagnostics Lab, Erasmus MC, Erasmus Medical Center
Classification: Benign. Review status: no assertion criteria provided. Collection method: clinical testing. Allele origin: germline. Affected: yes. Study: VKGL Data-share Consensus. Not counted in ClinVar's aggregate classification.

Diagnostic Laboratory, Department of Genetics, University Medical Center Groningen
Classification: Likely benign for Fanconi anemia complementation group D2. Review status: no assertion criteria provided. Collection method: clinical testing. Allele origin: germline. Affected: yes. Study: VKGL Data-share Consensus. Not counted in ClinVar's aggregate classification.

Laboratory of Diagnostic Genome Analysis, Leiden University Medical Center (LUMC)
Classification: Likely benign. Review status: no assertion criteria provided. Collection method: clinical testing. Allele origin: germline. Affected: yes. Study: VKGL Data-share Consensus. Not counted in ClinVar's aggregate classification.